The following is an entry in ClinVar:

ClinVar aggregate classification (germline): Conflicting classifications of pathogenicity. Review status: criteria provided, conflicting classifications (1 of 4 stars). 3 submissions from 3 submitters: Uncertain significance (2); Likely benign (1). Last evaluated 2025-12-01.

Allele frequency attached by ClinVar (database versions not stated): gnomAD 0.00012 and 0.00013; TOPMed 0.00013; ESP Exome Variant Server 0.00015; ExAC 0.00018; gnomAD exomes 0.00019 and 0.00021.
gnomAD v4.1: 325 of 1,613,952 alleles (0.02%); highest among the groups gnomAD compares: Non-Finnish European, 0.027%; no homozygotes.

Submissions (3):

CeGaT Center for Human Genetics Tuebingen
Classification: Likely benign. Last evaluated: 2025-12-01. Review status: criteria provided, single submitter. Criteria: CeGaT Center For Human Genetics Tuebingen Variant Classification Criteria Version 2. Collection method: clinical testing. Allele origin: germline. Affected: yes. Observed: 1 variant allele.
Comment: SON: BS2

Labcorp Genetics (formerly Invitae), Labcorp
Classification: Uncertain significance. Last evaluated: 2025-11-03. Review status: criteria provided, single submitter. Criteria: Invitae Variant Classification Sherloc (09022015). Collection method: clinical testing. Allele origin: germline.
Comment: This sequence change replaces alanine, which is neutral and non-polar, with valine, which is neutral and non-polar, at codon 973 of the SON protein (p.Ala973Val). This variant is present in population databases (rs146185666, gnomAD 0.04%), and has an allele count higher than expected for a pathogenic variant. This variant has not been reported in the literature in individuals affected with SON-related conditions. ClinVar contains an entry for this variant (Variation ID: 1432630). An algorithm developed to predict the effect of missense changes on protein structure and function (PolyPhen-2) suggests that this variant is likely to be disruptive. In summary, the available evidence is currently insufficient to determine the role of this variant in disease. Therefore, it has been classified as a Variant of Uncertain Significance.

Breakthrough Genomics
Classification: Uncertain significance. Review status: criteria provided, single submitter. Criteria: ACMG Guidelines, 2015. Collection method: not provided. Allele origin: germline. Inheritance: Autosomal dominant inheritance. Affected: yes.

NM_138927.4(SON):c.2918C>T (p.Ala973Val)

Gene: SON (SON DNA and RNA binding protein; plus strand). Cytogenetic location: 21q22.11.
Variant type: single nucleotide variant.
Coding change: c.2918C>T on transcript NM_138927.4 (MANE Select); coding-DNA position 2918, C replaced by T.
Protein change: p.Ala973Val; replaces alanine 973 with valine.
Molecular consequence: missense variant. On other transcripts: non-coding transcript variant (1), intron variant (1).
Genome position (GRCh38, 1-based): chr21:33,552,149, C>T. VCF-style: chr21-33552149-C-T. GRCh37 (hg19) VCF-style: chr21-34924455-C-T.
Other names: c.2918C>T, p.Ala973Val (NM_001291411.2, NM_032195.3); c.245-5007C>T (NM_001291412.3); short protein forms A973V.
Identifiers: ClinVar variation 1432630 (VCV001432630.14), dbSNP rs146185666, ClinGen allele CA10009190.
Genomic context (GRCh38, chr21:33,552,149, plus strand): 5'-ATGATCCCTACAGACTAACTCCTGATCCCTATAGGATGTCACCTAGACCCTACAGGATAG[C>T]ACCCAGGTCCTATAGAATAGCACCCAGGCCATATAGGTTAGCACCTAGACCCCTGATGTT-3'
Protein context (NP_620305.3, residues 963-983): YRMSPRPYRI[Ala973Val]PRSYRIAPRP